The following is an entry in ClinVar:

NM_001184880.2(PCDH19):c.379C>T (p.Pro127Ser)

Gene: PCDH19 (protocadherin 19; minus strand). Cytogenetic location: Xq22.1.
Variant type: single nucleotide variant.
Coding change: c.379C>T on transcript NM_001184880.2 (MANE Select); coding-DNA position 379, C replaced by T.
Protein change: p.Pro127Ser; replaces proline 127 with serine.
Molecular consequence: missense variant.
Genome position (GRCh38, 1-based): chrX:100,408,219, G>A on the plus strand (C>T on the coding strand, the complement: PCDH19 is on the minus strand). VCF-style: chrX-100408219-G-A. GRCh37 (hg19) VCF-style: chrX-99663217-G-A.
Other names: c.379C>T, p.Pro127Ser (NM_001105243.2, NM_020766.3); short protein forms P127S.
Identifiers: ClinVar variation 864724 (VCV000864724.37), dbSNP rs1928462873, ClinGen allele CA414010199.
Genomic context (GRCh38, chrX:100,408,219, plus strand): 5'-GCGTGCCAGGGCTGGCTGCCTCCGAGATCTCCAGCTCGATCTGTGCTGCCGGGAAACTGG[G>A]CGCATTGTCGTTCAGGTCCTTGATCTCCACCTTTATCACGCAGATTTCCATTGAGCTGGA-3'
Protein context (NP_001171809.1, residues 117-137): VEIKDLNDNA[Pro127Ser]SFPAAQIELE

ClinVar aggregate classification (germline): Pathogenic/Likely pathogenic. Review status: criteria provided, multiple submitters, no conflicts (2 of 4 stars). 2 submissions from 2 submitters: Pathogenic (1); Likely pathogenic (1). Last evaluated 2024-09-09.

Conditions:
Developmental and epileptic encephalopathy, 9 (DEE9). Also called: PCDH19-Related X-Linked Female-Limited Epilepsy with Mental Retardation; EPILEPSY, FEMALE-RESTRICTED, WITH MENTAL RETARDATION; JUBERG-HELLMAN SYNDROME; Early infantile epileptic encephalopathy 9. Identifiers: Orphanet 101039, Orphanet 2076, MedGen C1848137, MONDO:0010246, OMIM 300088. Disease mechanism: loss of function.

Submissions (2):

Labcorp Genetics (formerly Invitae), Labcorp
Classification: Pathogenic for Developmental and epileptic encephalopathy, 9. Last evaluated: 2024-09-09. Review status: criteria provided, single submitter. Criteria: Invitae Variant Classification Sherloc (09022015). Collection method: clinical testing. Allele origin: germline.
Comment: This sequence change replaces proline, which is neutral and non-polar, with serine, which is neutral and polar, at codon 127 of the PCDH19 protein (p.Pro127Ser). This variant is not present in population databases (gnomAD no frequency). This missense change has been observed in individual(s) with a cohort of individuals who underwent genetic testing for epilepsy and neurodevelopmental disorders and/or clinical features of developmental and epileptic encephalopathy (PMID: 29655203; internal data). In at least one individual the variant was observed to be de novo. ClinVar contains an entry for this variant (Variation ID: 864724). Invitae Evidence Modeling of protein sequence and biophysical properties (such as structural, functional, and spatial information, amino acid conservation, physicochemical variation, residue mobility, and thermodynamic stability) indicates that this missense variant is expected to disrupt PCDH19 protein function with a positive predictive value of 95%. For these reasons, this variant has been classified as Pathogenic.

CeGaT Center for Human Genetics Tuebingen
Classification: Likely pathogenic. Last evaluated: 2023-02-01. Review status: criteria provided, single submitter. Criteria: CeGaT Center For Human Genetics Tuebingen Variant Classification Criteria Version 2. Collection method: clinical testing. Allele origin: germline. Affected: yes. Observed: 1 variant allele.
Comment: PCDH19: PM1, PM2, PS2:Moderate, PS4:Supporting

Literature cited by the submitters: PubMed 29655203 (cited by Labcorp Genetics (formerly Invitae), Labcorp).